The following is an entry in ClinVar:

NM_001244008.2(KIF1A):c.1427C>G (p.Ala476Gly)

Gene: KIF1A (kinesin family member 1A; minus strand). Cytogenetic location: 2q37.3.
Variant type: single nucleotide variant.
Coding change: c.1427C>G on transcript NM_001244008.2 (MANE Select); coding-DNA position 1427, C replaced by G.
Protein change: p.Ala476Gly; replaces alanine 476 with glycine.
Molecular consequence: missense variant.
Genome position (GRCh38, 1-based): chr2:240,769,203, G>C on the plus strand (C>G on the coding strand, the complement: KIF1A is on the minus strand). VCF-style: chr2-240769203-G-C. GRCh37 (hg19) VCF-style: chr2-241708620-G-C.
Other names: c.1427C>G, p.Ala476Gly (NM_001320705.2, NM_001330289.2, NM_001379638.1); c.1502C>G, p.Ala501Gly (NM_001330290.2, NM_001379631.1, NM_001379634.1 and 2 more transcripts); c.1400C>G, p.Ala467Gly (NM_001379632.1, NM_001379633.1, NM_001379636.1 and 11 more transcripts); c.1475C>G, p.Ala492Gly (NM_001379637.1, NM_001379648.1); short protein forms A467G, A492G, A501G, A476G.
Identifiers: ClinVar variation 2924550 (VCV002924550.3), dbSNP rs2537818720, ClinGen allele CA351329655.

ClinVar aggregate classification (germline): Uncertain significance (1 of 4 stars; one submission).

Conditions:
Neuropathy, hereditary sensory, type 2C. Also called: Hereditary sensory and autonomic neuropathy type IIC; KIF1A-Related HSAN2 (HSAN2C). Identifiers: Orphanet 970, MedGen C3280168, MONDO:0013634, OMIM 614213.
Hereditary spastic paraplegia 30. Identifiers: Orphanet 101010, MedGen C5235139, MONDO:0012476.
Intellectual disability, autosomal dominant 9 (NESCAVS). Also called: NESCAV SYNDROME; KIF1A-Related Neurodevelopmental Disorder. Identifiers: Orphanet 662367, MedGen C5393830, MONDO:0013656, OMIM 614255.

Submission:

Labcorp Genetics (formerly Invitae), Labcorp
Classification: Uncertain significance for Hereditary spastic paraplegia 30; Neuropathy, hereditary sensory, type 2C; Intellectual disability, autosomal dominant 9. Last evaluated: 2023-12-08. Review status: criteria provided, single submitter. Criteria: Invitae Variant Classification Sherloc (09022015). Collection method: clinical testing. Allele origin: germline.
Comment: This sequence change replaces alanine, which is neutral and non-polar, with glycine, which is neutral and non-polar, at codon 467 of the KIF1A protein (p.Ala467Gly). This variant is not present in population databases (gnomAD no frequency). This variant has not been reported in the literature in individuals affected with KIF1A-related conditions. Advanced modeling of protein sequence and biophysical properties (such as structural, functional, and spatial information, amino acid conservation, physicochemical variation, residue mobility, and thermodynamic stability) performed at Invitae indicates that this missense variant is expected to disrupt KIF1A protein function with a positive predictive value of 95%. In summary, the available evidence is currently insufficient to determine the role of this variant in disease. Therefore, it has been classified as a Variant of Uncertain Significance.